The following is an entry in ClinVar:

ClinVar aggregate classification (germline): Uncertain significance (1 of 4 stars; one submission).

Conditions:
TBX3-related disorder. Also called: TBX3-related condition.

Submission:

PreventionGenetics, part of Exact Sciences
Classification: Uncertain significance for TBX3-related condition. Last evaluated: 2026-04-05. Review status: criteria provided, single submitter. Criteria: ACMG Guidelines, 2015. Collection method: clinical testing. Allele origin: germline.
Comment: The TBX3 c.2041C>A variant is predicted to result in the amino acid substitution p.Pro681Thr. To our knowledge, this variant has not been reported in the literature or in a large population database (gnomAD), indicating this variant is rare. At this time, the clinical significance of this variant is uncertain due to the absence of conclusive functional and genetic evidence.

NM_005996.4(TBX3):c.1981C>A (p.Pro661Thr)

Gene: TBX3 (T-box transcription factor 3; minus strand). Cytogenetic location: 12q24.21.
Variant type: single nucleotide variant.
Coding change: c.1981C>A on transcript NM_005996.4 (MANE Select); coding-DNA position 1981, C replaced by A.
Protein change: p.Pro661Thr; replaces proline 661 with threonine.
Molecular consequence: missense variant.
Genome position (GRCh38, 1-based): chr12:114,672,032, G>T on the plus strand (C>A on the coding strand, the complement: TBX3 is on the minus strand). VCF-style: chr12-114672032-G-T. GRCh37 (hg19) VCF-style: chr12-115109837-G-T.
Other names: c.2041C>A, p.Pro681Thr (NM_016569.4); short protein forms P661T, P681T.
Identifiers: ClinVar variation 4993621 (VCV004993621.1).